The following is an entry in ClinVar:

NM_014727.3(KMT2B):c.3043C>T (p.Arg1015Ter)

Gene: KMT2B (lysine methyltransferase 2B; plus strand). Cytogenetic location: 19q13.12.
Variant type: single nucleotide variant.
Coding change: c.3043C>T on transcript NM_014727.3 (MANE Select); coding-DNA position 3043, C replaced by T.
Protein change: p.Arg1015Ter; replaces arginine 1015 with a stop codon.
Molecular consequence: nonsense.
Genome position (GRCh38, 1-based): chr19:35,723,487, C>T. VCF-style: chr19-35723487-C-T. GRCh37 (hg19) VCF-style: chr19-36214389-C-T.
Other names: short protein forms R1015*.
Identifiers: ClinVar variation 3384038 (VCV003384038.1).

ClinVar aggregate classification (germline): Pathogenic (1 of 4 stars; one submission).

Conditions:
Intellectual disability. Also called: Intellectual functioning disability; intellectual disabilities; Intellectual developmental disorder. Identifiers: MedGen C3714756, MeSH D008607, MONDO:0001071, HP:0001249.

Submission:

Dubai Health Genomic Medicine Center, Dubai Health
Classification: Pathogenic for Intellectual developmental disorder. Last evaluated: 2024-10-04. Review status: criteria provided, single submitter. Criteria: ACMG Guidelines, 2015. Collection method: research. Allele origin: germline. Affected: yes.
Comment: PVS1,PM2,PP4